The following is an entry in ClinVar:

NM_001206927.2(DNAH8):c.5734-1G>T

Gene: DNAH8 (dynein axonemal heavy chain 8; plus strand). Cytogenetic location: 6p21.2.
Variant type: single nucleotide variant.
Coding change: c.5734-1G>T on transcript NM_001206927.2 (MANE Select); the canonical splice acceptor site of the intron before coding-DNA position 5734, G replaced by T.
Molecular consequence: splice acceptor variant.
Genome position (GRCh38, 1-based): chr6:38,857,517, G>T. VCF-style: chr6-38857517-G-T. GRCh37 (hg19) VCF-style: chr6-38825293-G-T.
Other names: c.5083-1G>T (NM_001371.4).
Identifiers: ClinVar variation 1516759 (VCV001516759.9), dbSNP rs781634544, ClinGen allele CA3789474.
Genomic context (GRCh38, chr6:38,857,517, plus strand): 5'-TTTATTGCAGATGTGCTTTAAATATTTGGCAAATTTTAATATTTTTCTGCTGGATCTGTA[G>T]GTTGGACTTCTGGGAATTCAGATGTTGTGGACACACGATTCAGAAGAGGCTTTACGTAAT-3'

ClinVar aggregate classification (germline): Likely pathogenic. Review status: criteria provided, multiple submitters, no conflicts (2 of 4 stars). 2 submissions from 2 submitters: Likely pathogenic (2). Last evaluated 2025-09-25.

Conditions:
Spermatogenic failure 46. Identifiers: MedGen C5436799, MONDO:0033673, OMIM 619095.
Primary ciliary dyskinesia. Also called: Ciliary dyskinesia. Identifiers: Orphanet 244, MedGen C0008780, MONDO:0016575, HP:0012265.

Allele frequency attached by ClinVar (database versions not stated): gnomAD exomes 0.00001 and 0.00002; ExAC 0.00003.
gnomAD v4.1: 11 of 1,603,032 alleles (0.00069%); highest among the groups gnomAD compares: South Asian, 0.012%; no homozygotes.

Submissions (2):

Labcorp Genetics (formerly Invitae), Labcorp
Classification: Likely pathogenic for Primary ciliary dyskinesia. Last evaluated: 2025-09-25. Review status: criteria provided, single submitter. Criteria: Invitae Variant Classification Sherloc (09022015). Collection method: clinical testing. Allele origin: germline.
Comment: This sequence change affects an acceptor splice site in intron 41 of the DNAH8 gene. It is expected to disrupt RNA splicing. Variants that disrupt the donor or acceptor splice site typically lead to a loss of protein function (PMID: 16199547), and loss-of-function variants in DNAH8 are known to be pathogenic (PMID: 24307375, 32619401, 32681648). This variant is present in population databases (rs781634544, gnomAD 0.02%). This variant has not been reported in the literature in individuals affected with DNAH8-related conditions. ClinVar contains an entry for this variant (Variation ID: 1516759). Algorithms developed to predict the effect of sequence changes on RNA splicing suggest that this variant may disrupt the consensus splice site. In summary, the currently available evidence indicates that the variant is pathogenic, but additional data are needed to prove that conclusively. Therefore, this variant has been classified as Likely Pathogenic.

First Genomix Gene Laboratory, Genetic Diagnostics Department
Classification: Likely pathogenic for Spermatogenic failure 46. Last evaluated: 2025-05-29. Review status: criteria provided, single submitter. Criteria: ACMG Guidelines, 2015. Collection method: clinical testing. Allele origin: germline. Inheritance: Autosomal recessive inheritance. Affected: no. Observed: 1 variant allele.

Literature cited by the submitters: PubMed 16199547 (cited by Labcorp Genetics (formerly Invitae), Labcorp); PubMed 24307375 (cited by Labcorp Genetics (formerly Invitae), Labcorp); PubMed 32619401 (cited by Labcorp Genetics (formerly Invitae), Labcorp); PubMed 32681648 (cited by Labcorp Genetics (formerly Invitae), Labcorp).